The following is an entry in ClinVar:

NM_015272.5(RPGRIP1L):c.1143G>C (p.Lys381Asn)

Gene: RPGRIP1L (RPGRIP1 like; minus strand). Cytogenetic location: 16q12.2.
Variant type: single nucleotide variant.
Coding change: c.1143G>C on transcript NM_015272.5 (MANE Select); coding-DNA position 1143, G replaced by C.
Protein change: p.Lys381Asn; replaces lysine 381 with asparagine.
Molecular consequence: missense variant.
Genome position (GRCh38, 1-based): chr16:53,664,970, C>G on the plus strand (G>C on the coding strand, the complement: RPGRIP1L is on the minus strand). VCF-style: chr16-53664970-C-G. GRCh37 (hg19) VCF-style: chr16-53698882-C-G.
Other names: c.1143G>C (NM_015272.4, NM_015272.2); c.1143G>C, p.Lys381Asn (NM_001127897.4, NM_001308334.3, NM_001330538.2); short protein forms K381N.
Identifiers: ClinVar variation 992039 (VCV000992039.7), dbSNP rs949199630, ClinGen allele CA281351207.

ClinVar aggregate classification (germline): Uncertain significance. Review status: criteria provided, multiple submitters, no conflicts (2 of 4 stars). 4 submissions from 4 submitters: Uncertain significance (3). 1 of the submissions does not count toward it. Last evaluated 2026-06-19.

Conditions:
RPGRIP1L-related disorder. Also called: RPGRIP1L-related condition; RPGRIP1L-related disorders. Identifiers: MedGen CN239416.
Joubert syndrome 7 (JBTS7). Identifiers: Orphanet 220497, MedGen C1969053, MONDO:0012694, OMIM 611560.
Meckel syndrome, type 5 (MKS5). Identifiers: Orphanet 564, MedGen C1969052, MONDO:0012695, OMIM 611561.
COACH syndrome 3. Identifiers: MedGen C5436841, MONDO:0030862, OMIM 619113.
Inborn genetic diseases. Identifiers: MedGen C0950123, MeSH D030342.
Joubert syndrome. Also called: Familial aplasia of the vermis; JOUBERT-BOLTSHAUSER SYNDROME. Identifiers: Orphanet 475, MedGen C5979921, MONDO:0018772.

Allele frequency attached by ClinVar (database versions not stated): gnomAD exomes below 0.00001 and 0.00001; gnomAD 0.00001; TOPMed 0.00003.
gnomAD v4.1: 5 of 1,613,524 alleles (0.00031%); highest among the groups gnomAD compares: African/African-American, 0.004%; no homozygotes.

Submissions (4):

PreventionGenetics, part of Exact Sciences
Classification: Uncertain significance for RPGRIP1L-related condition. Last evaluated: 2026-06-19. Review status: criteria provided, single submitter. Criteria: ACMG Guidelines, 2015. Collection method: clinical testing. Allele origin: germline.
Comment: The RPGRIP1L c.1143G>C variant is predicted to result in the amino acid substitution p.Lys381Asn. To our knowledge, this variant has not been reported in the literature. This variant is reported in 0.0029% of alleles in individuals of Latino descent in gnomAD. At this time, the clinical significance of this variant is uncertain due to the absence of conclusive functional and genetic evidence.

Ambry Genetics
Classification: Uncertain significance for Inborn genetic diseases. Last evaluated: 2024-09-26. Review status: criteria provided, single submitter. Criteria: Ambry Variant Classification Scheme 2023. Collection method: clinical testing. Allele origin: germline.

Fulgent Genetics
Classification: Uncertain significance for Joubert syndrome 7; Meckel syndrome, type 5; COACH syndrome 3. Last evaluated: 2022-02-23. Review status: criteria provided, single submitter. Criteria: ACMG Guidelines, 2015. Collection method: clinical testing. Allele origin: unknown.

Natera, Inc.
Classification: Uncertain significance for Joubert syndrome. Last evaluated: 2020-04-24. Review status: no assertion criteria provided. Collection method: clinical testing. Allele origin: germline. Not counted in ClinVar's aggregate classification.